The following is an entry in ClinVar:

ClinVar aggregate classification (germline): Pathogenic (0 of 4 stars; one submission).

Conditions:
Neurodevelopmental disorder with dysmorphic facies and distal limb anomalies. Identifiers: Orphanet 686482, MedGen C4540327, MONDO:0060596, OMIM 617755.

Submission:

Clinical Genomics Laboratory, Stanford Medicine
Classification: Pathogenic for Neurodevelopmental disorder with dysmorphic facies and distal limb anomalies. Last evaluated: 2020-03-19. Review status: no assertion criteria provided. Collection method: clinical testing. Allele origin: germline. Inheritance: Autosomal dominant inheritance. Affected: yes.
Comment: This variant was absent from large population databases, including the Genome Aggregation Database. However, the ability to detect this type of variation may be limited. The p.Glu18Profs*44 variant results in a 10 bp deletion, which causes a shift in the protein reading frame, leading to a premature termination codon 44 amino acids downstream. The premature termination codon is in exon 1 of 28 coding exons, and is therefore predicted to undergo nonsense-mediated decay resulting in a truncated or absent protein. Heterozygous loss of function is an established mechanism of disease for the BPTF gene. These data were assessed using the ACMG/AMP variant interpretation guidelines. In summary, there is sufficient evidence to classify the p.Glu18Profs*44 variant as pathogenic for autosomal dominant BPTFassociated neurodevelopmental disorder based on the information above. [ACMG evidence codes used: PVS1; PM2; PS2_Supporting]

NM_182641.4(BPTF):c.52_61del (p.Glu18fs)

Gene: BPTF (bromodomain PHD finger transcription factor; plus strand). Cytogenetic location: 17q24.2.
Variant type: Deletion.
Coding change: c.52_61del on transcript NM_182641.4 (MANE Select); coding-DNA positions 52 to 61, 10 bases deleted (GAGCGCTGCG; older notation c.52_61delGAGCGCTGCG).
Protein change: p.Glu18fs; shifts the reading frame from glutamic acid 18.
Molecular consequence: frameshift variant.
Genome position (GRCh38, 1-based): chr17:67,825,776-67,825,785, GAGCGCTGCG deleted; deleting any 10 consecutive bases within chr17:67,825,769-67,825,785 gives the same sequence; the c. name uses the placement nearest the transcript's 3' end. VCF-style (leftmost placement, unchanged base first): chr17-67825768-CCGCTGCGGAG-C. GRCh37 (hg19) VCF-style: chr17-65821884-CCGCTGCGGAG-C.
Other names: c.52_61del, p.Glu18fs (NM_004459.7); short protein forms E18fs.
Identifiers: ClinVar variation 976787 (VCV000976787.1), dbSNP rs2055932118, ClinGen allele CA1139665844.